The following is an entry in ClinVar:

ClinVar aggregate classification (germline): Pathogenic (1 of 4 stars; one submission).

Conditions:
Tuberous sclerosis 2 (TSC2). Identifiers: Orphanet 805, MedGen C1860707, MONDO:0013199, OMIM 613254.

Submission:

Labcorp Genetics (formerly Invitae), Labcorp
Classification: Pathogenic for Tuberous sclerosis 2. Last evaluated: 2023-06-18. Review status: criteria provided, single submitter. Criteria: Invitae Variant Classification Sherloc (09022015). Collection method: clinical testing. Allele origin: germline.
Comment: For these reasons, this variant has been classified as Pathogenic. This sequence change creates a premature translational stop signal (p.Arg936Glyfs*12) in the TSC2 gene. It is expected to result in an absent or disrupted protein product. Loss-of-function variants in TSC2 are known to be pathogenic (PMID: 10205261, 17304050). This variant is not present in population databases (gnomAD no frequency). This variant has not been reported in the literature in individuals affected with TSC2-related conditions.

Literature cited by the submitters: PubMed 10205261; PubMed 17304050.

NM_000548.5(TSC2):c.2806del (p.Arg936fs)

Gene: TSC2 (TSC complex subunit 2; plus strand). Cytogenetic location: 16p13.3.
Variant type: Deletion.
Coding change: c.2806del on transcript NM_000548.5 (MANE Select); coding-DNA position 2806, one base deleted (C; older notation c.2806delC).
Protein change: p.Arg936fs; shifts the reading frame from arginine 936.
Molecular consequence: frameshift variant. On other transcripts: non-coding transcript variant (5).
Genome position (GRCh38, 1-based): chr16:2,076,554, C deleted; the last of 3 consecutive C bases (chr16:2,076,552-2,076,554); deleting any one gives the same sequence. VCF-style (leftmost placement, unchanged base first): chr16-2076551-GC-G. GRCh37 (hg19) VCF-style: chr16-2126552-GC-G.
Other names: c.2806del, p.Arg936fs (NM_001077183.3, NM_001114382.3, NM_001363528.2 and 6 more transcripts); c.2695del, p.Arg899fs (NM_001318827.2, NM_001406670.1, NM_001406678.1); c.2659del, p.Arg887fs (NM_001318829.2, NM_001406675.1, NM_001406676.1 and 1 more transcripts); c.2206del, p.Arg736fs (NM_001318831.2, NM_001406680.1, NM_001406682.1 and 6 more transcripts); c.2839del, p.Arg947fs (NM_001318832.2); c.2896del, p.Arg966fs (NM_001406667.1, NM_001406668.1); c.2794del, p.Arg932fs (NM_001406671.1, NM_001406673.1); c.2749del, p.Arg917fs (NM_001406677.1); and 3 more; short protein forms R932fs, R966fs, R782fs, R947fs, R402fs, R917fs, R488fs, R736fs.
Identifiers: ClinVar variation 2718772 (VCV002718772.3), dbSNP rs2543931855, ClinGen allele CA2697549513.